The following is an entry in ClinVar:

NM_018297.4(NGLY1):c.-17_12dup (p.Ala5fs)

Gene: NGLY1 (N-glycanase 1; minus strand). Cytogenetic location: 3p24.2.
Variant type: Duplication.
Coding change: c.-17_12dup on transcript NM_018297.4 (MANE Select); 17 bases upstream of the start codon through coding-DNA position 12, 29 bases duplicated (CCCGCTGGCGCTCAAGCATGGCGGCGGCG).
Protein change: p.Ala5fs; shifts the reading frame from alanine 5.
Molecular consequence: frameshift variant, initiator codon variant. On other transcripts: intron variant (1).
Genome position (GRCh38, 1-based): chr3:25,783,379-25,783,407, CGCCGCCGCCATGCTTGAGCGCCAGCGGG duplicated on the plus strand (CCCGCTGGCGCTCAAGCATGGCGGCGGCG on the coding strand, the reverse complement: NGLY1 is on the minus strand); duplicating any 29 consecutive bases within chr3:25,783,379-25,783,417 gives the same sequence; the c. name uses the placement nearest the transcript's 3' end. VCF-style (leftmost placement, unchanged base first): chr3-25783378-C-CCGCCGCCGCCATGCTTGAGCGCCAGCGGG. GRCh37 (hg19) VCF-style: chr3-25824869-C-CCGCCGCCGCCATGCTTGAGCGCCAGCGGG.
Other names: c.-17_12dup, p.Ala5fs (NM_001145293.2, NM_001145295.2); c.6-4719_6-4691dup (NM_001145294.2); short protein forms A5fs.
Identifiers: ClinVar variation 1348255 (VCV001348255.4), dbSNP rs765492483, ClinGen allele CA541724866.
Genomic context (GRCh38, chr3:25,783,378, plus strand): 5'-GGGTGTTCTGGCAGAGCTCAGCCACGGCCGGGGACGCCGAGCCTGAGGAGCTGCCCAATG[C>CCGCCGCCGCCATGCTTGAGCGCCAGCGGG]CGCCGCCGCCATGCTTGAGCGCCAGCGGGCGCCGCCGCCGCCCCTCGCTCTCCGCGTCCC-3'

ClinVar aggregate classification (germline): Uncertain significance (1 of 4 stars; one submission).

Conditions:
Congenital disorder of deglycosylation (CDDG). Identifiers: MedGen C3808991, MONDO:0031376.

Submission:

Labcorp Genetics (formerly Invitae), Labcorp
Classification: Uncertain significance for Congenital disorder of deglycosylation. Last evaluated: 2022-01-11. Review status: criteria provided, single submitter. Criteria: Invitae Variant Classification Sherloc (09022015). Collection method: clinical testing. Allele origin: germline.
Comment: This variant occurs in a non-coding region of the NGLY1 gene. It does not change the encoded amino acid sequence of the NGLY1 protein. This variant is present in population databases (no rsID available, gnomAD 0.007%). This variant has not been reported in the literature in individuals affected with NGLY1-related conditions. Experimental studies and prediction algorithms are not available or were not evaluated, and the functional significance of this variant is currently unknown. In summary, the available evidence is currently insufficient to determine the role of this variant in disease. Therefore, it has been classified as a Variant of Uncertain Significance.